The following is an entry in ClinVar:

NM_013275.6(ANKRD11):c.6659C>G (p.Ala2220Gly)

Gene: ANKRD11 (ankyrin repeat domain 11; minus strand). Cytogenetic location: 16q24.3.
Variant type: single nucleotide variant.
Coding change: c.6659C>G on transcript NM_013275.6 (MANE Select); coding-DNA position 6659, C replaced by G.
Protein change: p.Ala2220Gly; replaces alanine 2220 with glycine.
Molecular consequence: missense variant.
Genome position (GRCh38, 1-based): chr16:89,279,883, G>C on the plus strand (C>G on the coding strand, the complement: ANKRD11 is on the minus strand). VCF-style: chr16-89279883-G-C. GRCh37 (hg19) VCF-style: chr16-89346291-G-C.
Other names: c.6659C>G, p.Ala2220Gly (NM_001256182.2, NM_001256183.2); short protein forms A2220G.
Identifiers: ClinVar variation 5037544 (VCV005037544.1).

ClinVar aggregate classification (germline): Uncertain significance (1 of 4 stars; one submission).

gnomAD v4.1: 1 of 1,594,208 alleles (0.000063%); highest among the groups gnomAD compares: African/African-American, 0.0013%; no homozygotes.

Submission:

GeneDx
Classification: Uncertain significance. Last evaluated: 2026-04-23. Review status: criteria provided, single submitter. Criteria: GeneDx Variant Classification Process June 2021. Collection method: clinical testing. Allele origin: germline.
Comment: Not observed at significant frequency in large population cohorts (gnomAD); In silico analysis suggests that this missense variant does not alter protein structure/function; Has not been previously published as pathogenic or benign to our knowledge